The following is an entry in ClinVar:

NM_004438.5(EPHA4):c.830A>G (p.Lys277Arg)

Gene: EPHA4 (EPH receptor A4; minus strand). Cytogenetic location: 2q36.1.
Variant type: single nucleotide variant.
Coding change: c.830A>G on transcript NM_004438.5 (MANE Select); coding-DNA position 830, A replaced by G.
Protein change: p.Lys277Arg; replaces lysine 277 with arginine.
Molecular consequence: missense variant.
Genome position (GRCh38, 1-based): chr2:221,501,166, T>C on the plus strand (A>G on the coding strand, the complement: EPHA4 is on the minus strand). VCF-style: chr2-221501166-T-C. GRCh37 (hg19) VCF-style: chr2-222365886-T-C.
Other names: c.830A>G, p.Lys277Arg (NM_001304536.2, NM_001363748.2); c.677A>G, p.Lys226Arg (NM_001304537.2); short protein forms K277R, K226R.
Identifiers: ClinVar variation 1482177 (VCV001482177.8), dbSNP rs1196771519, ClinGen allele CA350409087.

ClinVar aggregate classification (germline): Uncertain significance (1 of 4 stars; one submission).

Allele frequency attached by ClinVar (database versions not stated): gnomAD exomes below 0.00001 and 0.00004; TOPMed below 0.00001; gnomAD 0.00001.
gnomAD v4.1: 57 of 1,596,176 alleles (0.0036%); highest among the groups gnomAD compares: Non-Finnish European, 0.0046%; no homozygotes.

Submission:

Labcorp Genetics (formerly Invitae), Labcorp
Classification: Uncertain significance. Last evaluated: 2021-06-07. Review status: criteria provided, single submitter. Criteria: Invitae Variant Classification Sherloc (09022015). Collection method: clinical testing. Allele origin: germline.
Comment: This sequence change replaces lysine with arginine at codon 277 of the EPHA4 protein (p.Lys277Arg). The lysine residue is highly conserved and there is a small physicochemical difference between lysine and arginine. This variant is not present in population databases (ExAC no frequency). This variant has not been reported in the literature in individuals with EPHA4-related conditions. Algorithms developed to predict the effect of missense changes on protein structure and function (SIFT, PolyPhen-2, Align-GVGD) all suggest that this variant is likely to be disruptive, but these predictions have not been confirmed by published functional studies and their clinical significance is uncertain. Algorithms developed to predict the effect of sequence changes on RNA splicing suggest that this variant may create or strengthen a splice site, but this prediction has not been confirmed by published transcriptional studies. In summary, the available evidence is currently insufficient to determine the role of this variant in disease. Therefore, it has been classified as a Variant of Uncertain Significance.